The following is an entry in ClinVar:

NM_002692.4(POLE2):c.1060G>C (p.Asp354His)

Gene: POLE2 (DNA polymerase epsilon 2, accessory subunit; minus strand). Cytogenetic location: 14q21.3.
Variant type: single nucleotide variant.
Coding change: c.1060G>C on transcript NM_002692.4 (MANE Select); coding-DNA position 1060, G replaced by C.
Protein change: p.Asp354His; replaces aspartic acid 354 with histidine.
Molecular consequence: missense variant.
Genome position (GRCh38, 1-based): chr14:49,654,797, C>G on the plus strand (G>C on the coding strand, the complement: POLE2 is on the minus strand). VCF-style: chr14-49654797-C-G. GRCh37 (hg19) VCF-style: chr14-50121515-C-G.
Other names: c.982G>C, p.Asp328His (NM_001197330.2); c.1060G>C, p.Asp354His (NM_001197331.3, NM_001348384.2); c.829G>C, p.Asp277His (NM_001348385.2); short protein forms D277H, D328H, D354H.
Identifiers: ClinVar variation 1370372 (VCV001370372.6), dbSNP rs1483360766, ClinGen allele CA389603162.
Genomic context (GRCh38, chr14:49,654,797, plus strand): 5'-TTTTTAAGTAAAACGGTGAAAAAATATATAGTGCTAGAGATCATTACCTTTGGTGAATAT[C>G]TGGGTATTCACATATTATATCTGCCAAAGTTTTTAGGGAATCTAAAATTTTAAAAAGGTA-3'
Protein context (NP_002683.2, residues 344-364): TLADIICEYP[Asp354His]IHQSSRFVFV

ClinVar aggregate classification (germline): Uncertain significance (1 of 4 stars; one submission).

Allele frequency attached by ClinVar (database versions not stated): TOPMed 0.00002.

Submission:

Labcorp Genetics (formerly Invitae), Labcorp
Classification: Uncertain significance. Last evaluated: 2025-02-07. Review status: criteria provided, single submitter. Criteria: Invitae Variant Classification Sherloc (09022015). Collection method: clinical testing. Allele origin: germline.
Comment: This sequence change replaces aspartic acid, which is acidic and polar, with histidine, which is basic and polar, at codon 354 of the POLE2 protein (p.Asp354His). This variant is not present in population databases (gnomAD no frequency). This variant has not been reported in the literature in individuals affected with POLE2-related conditions. ClinVar contains an entry for this variant (Variation ID: 1370372). An algorithm developed to predict the effect of missense changes on protein structure and function (PolyPhen-2) suggests that this variant is likely to be tolerated. Algorithms developed to predict the effect of sequence changes on RNA splicing suggest that this variant may disrupt the consensus splice site. In summary, the available evidence is currently insufficient to determine the role of this variant in disease. Therefore, it has been classified as a Variant of Uncertain Significance.